The following is an entry in ClinVar:

NM_020779.4(WDR35):c.519del (p.Phe173fs)

Gene: WDR35 (WD repeat domain 35; minus strand). Cytogenetic location: 2p24.1.
Variant type: Deletion.
Coding change: c.519del on transcript NM_020779.4 (MANE Select); coding-DNA position 519, one base deleted (T; older notation c.519delT).
Protein change: p.Phe173fs; shifts the reading frame from phenylalanine 173.
Molecular consequence: frameshift variant.
Genome position (GRCh38, 1-based): chr2:19,975,581, A deleted on the plus strand (T on the coding strand, the reverse complement: WDR35 is on the minus strand); the first of 5 consecutive A bases (chr2:19,975,581-19,975,585); deleting any one gives the same sequence. VCF-style (leftmost placement, unchanged base first): chr2-19975580-CA-C. GRCh37 (hg19) VCF-style: chr2-20175341-CA-C.
Other names: c.519del, p.Phe173fs (NM_001006657.2); short protein forms F173fs.
Identifiers: ClinVar variation 3762513 (VCV003762513.2).

ClinVar aggregate classification (germline): Pathogenic (1 of 4 stars; one submission).

Conditions:
Short-rib thoracic dysplasia 7 with or without polydactyly (SRTD7). Also called: Short rib polydactyly syndrome 5; SHORT-RIB THORACIC DYSPLASIA 7 WITH POLYDACTYLY. Identifiers: Orphanet 498497, Orphanet 93271, MedGen C3279792, MONDO:0013569, OMIM 614091.
Cranioectodermal dysplasia 2 (CED2). Identifiers: Orphanet 1515, MedGen C3150874, MONDO:0013323, OMIM 613610.

Submission:

Labcorp Genetics (formerly Invitae), Labcorp
Classification: Pathogenic for Cranioectodermal dysplasia 2; Short-rib thoracic dysplasia 7 with or without polydactyly. Last evaluated: 2025-03-05. Review status: criteria provided, single submitter. Criteria: Invitae Variant Classification Sherloc (09022015). Collection method: clinical testing. Allele origin: germline.
Comment: This sequence change creates a premature translational stop signal (p.Phe173Leufs*18) in the WDR35 gene. It is expected to result in an absent or disrupted protein product. Loss-of-function variants in WDR35 are known to be pathogenic (PMID: 22486404, 29068549). This variant is present in population databases (no rsID available, gnomAD 0.008%). This variant has not been reported in the literature in individuals affected with WDR35-related conditions. For these reasons, this variant has been classified as Pathogenic.

Literature cited by the submitters: PubMed 22486404; PubMed 29068549.